The following is an entry in ClinVar:

ClinVar aggregate classification (germline): Uncertain significance. Review status: criteria provided, multiple submitters, no conflicts (2 of 4 stars). 4 submissions from 4 submitters: Uncertain significance (4). Last evaluated 2026-06-08.

Conditions:
MYPN-related disorder. Also called: MYPN-related condition.
Cardiovascular phenotype. Identifiers: MedGen CN230736.
Dilated cardiomyopathy 1KK (CMD1KK). Identifiers: Orphanet 154, Orphanet 75249, MedGen C3714995, MONDO:0014100, OMIM 615248.

Allele frequency attached by ClinVar (database versions not stated): TOPMed below 0.00001.

Submissions (4):

Women's Health and Genetics/Laboratory Corporation of America, LabCorp
Classification: Uncertain significance. Last evaluated: 2026-06-08. Review status: criteria provided, single submitter. Criteria: LabCorp Variant Classification Summary - May 2015. Collection method: clinical testing. Allele origin: germline.

Ambry Genetics
Classification: Uncertain significance for Cardiovascular phenotype. Last evaluated: 2026-04-20. Review status: criteria provided, single submitter. Criteria: Ambry Variant Classification Scheme 2023. Collection method: clinical testing. Allele origin: germline.
Comment: The p.V1128I variant (also known as c.3382G>A), located in coding exon 16 of the MYPN gene, results from a G to A substitution at nucleotide position 3382. The valine at codon 1128 is replaced by isoleucine, an amino acid with highly similar properties. This amino acid position is conserved. In addition, this alteration is predicted to be tolerated by in silico analysis. Based on the available evidence, the clinical significance of this variant remains unclear.

PreventionGenetics, part of Exact Sciences
Classification: Uncertain significance for MYPN-related condition. Last evaluated: 2025-09-04. Review status: criteria provided, single submitter. Criteria: ACMG Guidelines, 2015. Collection method: clinical testing. Allele origin: germline.
Comment: The MYPN c.3382G>A variant is predicted to result in the amino acid substitution p.Val1128Ile. To our knowledge, this variant has not been reported in the literature or in a large population database (gnomAD), indicating this variant is rare. At this time, the clinical significance of this variant is uncertain due to the absence of conclusive functional and genetic evidence.

Labcorp Genetics (formerly Invitae), Labcorp
Classification: Uncertain significance for Dilated cardiomyopathy 1KK. Last evaluated: 2024-10-18. Review status: criteria provided, single submitter. Criteria: Invitae Variant Classification Sherloc (09022015). Collection method: clinical testing. Allele origin: germline.
Comment: This sequence change replaces valine, which is neutral and non-polar, with isoleucine, which is neutral and non-polar, at codon 1128 of the MYPN protein (p.Val1128Ile). This variant is not present in population databases (gnomAD no frequency). This variant has not been reported in the literature in individuals affected with MYPN-related conditions. ClinVar contains an entry for this variant (Variation ID: 1024286). An algorithm developed to predict the effect of missense changes on protein structure and function outputs the following: PolyPhen-2: "Benign". The isoleucine amino acid residue is found in multiple mammalian species, which suggests that this missense change does not adversely affect protein function. In summary, the available evidence is currently insufficient to determine the role of this variant in disease. Therefore, it has been classified as a Variant of Uncertain Significance.

NM_032578.4(MYPN):c.3382G>A (p.Val1128Ile)

Gene: MYPN (myopalladin; plus strand). Cytogenetic location: 10q21.3.
Variant type: single nucleotide variant.
Coding change: c.3382G>A on transcript NM_032578.4 (MANE Select); coding-DNA position 3382, G replaced by A.
Protein change: p.Val1128Ile; replaces valine 1128 with isoleucine.
Molecular consequence: missense variant. On other transcripts: non-coding transcript variant (2).
Genome position (GRCh38, 1-based): chr10:68,199,464, G>A. VCF-style: chr10-68199464-G-A. GRCh37 (hg19) VCF-style: chr10-69959221-G-A.
Other names: c.3382G>A (NM_032578.2, NM_032578.3); c.3382G>A, p.Val1128Ile (NM_001256267.2); c.2500G>A, p.Val834Ile (NM_001256268.2); short protein forms V1128I, V834I.
Identifiers: ClinVar variation 1024286 (VCV001024286.10), dbSNP rs2043671303, ClinGen allele CA376859183.